The following is an entry in ClinVar:

NM_031308.4(EPPK1):c.1077C>T (p.Ala359=)

Gene: EPPK1 (epiplakin 1; minus strand). Cytogenetic location: 8q24.3.
Variant type: single nucleotide variant.
Coding change: c.1077C>T on transcript NM_031308.4 (MANE Select); coding-DNA position 1077, C replaced by T.
Protein change: p.Ala359=; no amino-acid change (alanine 359 retained).
Molecular consequence: synonymous variant.
Genome position (GRCh38, 1-based): chr8:143,872,177, G>A on the plus strand (C>T on the coding strand, the complement: EPPK1 is on the minus strand). VCF-style: chr8-143872177-G-A. GRCh37 (hg19) VCF-style: chr8-144946345-G-A.
Identifiers: ClinVar variation 3034542 (VCV003034542.2), dbSNP rs34753358, ClinGen allele CA4923463.

ClinVar aggregate classification (germline): Benign (0 of 4 stars; one submission).

Conditions:
EPPK1-related disorder. Also called: EPPK1-related condition.

Allele frequency attached by ClinVar (database versions not stated): 1000 Genomes Project 30x 0.29044; 1000 Genomes Project 0.29253; TOPMed 0.35754; ESP Exome Variant Server 0.36040; gnomAD 0.36710; gnomAD exomes 0.47316; ExAC 0.48770.
gnomAD v4.1: 734,542 of 1,587,762 alleles (46%); highest among the groups gnomAD compares: Middle Eastern, 58%; 178,315 homozygotes.

Submission:

PreventionGenetics, part of Exact Sciences
Classification: Benign for EPPK1-related condition. Last evaluated: 2021-04-12. Review status: no assertion criteria provided. Collection method: clinical testing. Allele origin: germline.
Comment: This variant is classified as benign based on ACMG/AMP sequence variant interpretation guidelines (Richards et al. 2015 PMID: 25741868, with internal and published modifications).